The following is an entry in ClinVar:

NM_003126.4(SPTA1):c.1600-10A>G

Gene: SPTA1 (spectrin alpha, erythrocytic 1; minus strand). Cytogenetic location: 1q23.1.
Variant type: single nucleotide variant.
Coding change: c.1600-10A>G on transcript NM_003126.4 (MANE Select); 10 bases into the intron before coding-DNA position 1600, A replaced by G.
Molecular consequence: intron variant.
Genome position (GRCh38, 1-based): chr1:158,669,796, T>C on the plus strand (A>G on the coding strand, the complement: SPTA1 is on the minus strand). VCF-style: chr1-158669796-T-C. GRCh37 (hg19) VCF-style: chr1-158639586-T-C.
Other names: p.?.
Identifiers: ClinVar variation 293035 (VCV000293035.16), dbSNP rs148156245, ClinGen allele CA1183693.

ClinVar aggregate classification (germline): Conflicting classifications of pathogenicity. Review status: criteria provided, conflicting classifications (1 of 4 stars). 7 submissions from 5 submitters: Uncertain significance (2); Benign (2); Likely benign (3). Last evaluated 2025-12-11.

Conditions:
Elliptocytosis 2 (EL2). Also called: ELLIPTOCYTOSIS, RHESUS-UNLINKED TYPE. Identifiers: Orphanet 288, MedGen C1851741, MONDO:0007533, OMIM 130600.
Pyropoikilocytosis, hereditary. Also called: Pyropoikilocytosis. Identifiers: MedGen C0520739, MONDO:0009948, OMIM 266140, HP:0004839. Disease mechanism: loss of function.
Hereditary spherocytosis type 3. Also called: Spherocytosis type 3; SPTA1-Related Spherocytosis. Identifiers: Orphanet 822, MedGen C2678338, MONDO:0010053, OMIM 270970.

Allele frequency attached by ClinVar (database versions not stated): 1000 Genomes Project 0.00140; 1000 Genomes Project 30x 0.00156; ESP Exome Variant Server 0.00270; ExAC 0.00284; TOPMed 0.00310; gnomAD 0.00361 and 0.00410.

Submissions (7):

Labcorp Genetics (formerly Invitae), Labcorp
Classification: Benign. Last evaluated: 2025-12-11. Review status: criteria provided, single submitter. Criteria: Invitae Variant Classification Sherloc (09022015). Collection method: clinical testing. Allele origin: germline.

ARUP Laboratories, Molecular Genetics and Genomics, ARUP Laboratories
Classification: Benign. Last evaluated: 2025-06-10. Review status: criteria provided, single submitter. Criteria: ARUP Molecular Germline Variant Investigation Process 2024. Collection method: clinical testing. Allele origin: germline.

Blueprint Genetics
Classification: Likely benign. Last evaluated: 2024-11-14. Review status: criteria provided, single submitter. Criteria: ACMG Guidelines, 2015. Collection method: clinical testing. Allele origin: germline.

Mayo Clinic Laboratories, Mayo Clinic
Classification: Likely benign. Last evaluated: 2022-07-08. Review status: criteria provided, single submitter. Criteria: ACMG Guidelines, 2015. Collection method: clinical testing. Allele origin: germline. Observed: 9 variant alleles.
Comment: BP4, BP7

Illumina Laboratory Services, Illumina
Classification: Likely benign for Elliptocytosis 2. Last evaluated: 2018-01-13. Review status: criteria provided, single submitter. Criteria: ICSL Variant Classification Criteria 13 December 2019. Collection method: clinical testing. Allele origin: germline.
Comment: This variant was observed in the ICSL laboratory as part of a predisposition screen in an ostensibly healthy population. It had not been previously curated by ICSL or reported in the Human Gene Mutation Database (HGMD: prior to June 1st, 2018), and was therefore a candidate for classification through an automated scoring system. Utilizing variant allele frequency, disease prevalence and penetrance estimates, and inheritance mode, an automated score was calculated to assess if this variant is too frequent to cause the disease. Based on the score and internal cut-off values, a variant classified as likely benign is not then subjected to further curation. The score for this variant resulted in a classification of likely benign for this disease.

Illumina Laboratory Services, Illumina
Classification: Uncertain significance for Pyropoikilocytosis, hereditary. Last evaluated: 2018-01-13. Review status: criteria provided, single submitter. Criteria: ICSL Variant Classification Criteria 13 December 2019. Collection method: clinical testing. Allele origin: germline.

Illumina Laboratory Services, Illumina
Classification: Uncertain significance for Hereditary spherocytosis type 3. Last evaluated: 2018-01-13. Review status: criteria provided, single submitter. Criteria: ICSL Variant Classification Criteria 13 December 2019. Collection method: clinical testing. Allele origin: germline.